The following is an entry in ClinVar:

NM_000540.3(RYR1):c.10480A>G (p.Thr3494Ala)

Gene: RYR1 (ryanodine receptor 1; plus strand). Cytogenetic location: 19q13.2.
Variant type: single nucleotide variant.
Coding change: c.10480A>G on transcript NM_000540.3 (MANE Select); coding-DNA position 10480, A replaced by G.
Protein change: p.Thr3494Ala; replaces threonine 3494 with alanine.
Molecular consequence: missense variant.
Genome position (GRCh38, 1-based): chr19:38,525,356, A>G. VCF-style: chr19-38525356-A-G. GRCh37 (hg19) VCF-style: chr19-39015996-A-G.
Other names: c.10465A>G, p.Thr3489Ala (NM_001042723.2); short protein forms T3489A, T3494A.
Identifiers: ClinVar variation 1350585 (VCV001350585.5), dbSNP rs779971797, ClinGen allele CA405643465.

ClinVar aggregate classification (germline): Uncertain significance. Review status: criteria provided, multiple submitters, no conflicts (2 of 4 stars). 3 submissions from 3 submitters: Uncertain significance (3). Last evaluated 2024-02-05.

Conditions:
RYR1-related disorder. Also called: RYR1-related condition; RYR1-related disorders. Identifiers: MedGen CN239331.
Malignant hyperthermia, susceptibility to, 1 (MHS1). Also called: Anesthesia related hyperthermia; Malignant hyperpyrexia; Fulminating hyperpyrexia; Pharmacogenic myopathy; RYR1-Related Malignant Hyperthermia Susceptibility; Malignant hyperthermia suceptibility 1. Identifiers: Orphanet 423, MedGen C2930980, MONDO:0007783, OMIM 145600.

Allele frequency attached by ClinVar (database versions not stated): TOPMed below 0.00001; gnomAD 0.00001.
gnomAD v4.1: 5 of 1,613,810 alleles (0.00031%); highest among the groups gnomAD compares: Admixed American, 0.0083%; no homozygotes.

Submissions (3):

All of Us Research Program, National Institutes of Health
Classification: Uncertain significance for Malignant hyperthermia, susceptibility to, 1. Last evaluated: 2024-02-05. Review status: criteria provided, single submitter. Criteria: ACMG Guidelines, 2015. Collection method: clinical testing. Allele origin: germline. Inheritance: Autosomal dominant inheritance. Observed: 2 variant alleles, 2 heterozygotes.
Comment: This missense variant replaces threonine with alanine at codon 3494 of the RYR1 protein. Computational prediction suggests that this variant may not impact protein structure and function (internally defined REVEL score threshold <= 0.5, PMID: 27666373). To our knowledge, functional studies have not been reported for this variant. This variant has not been reported in individuals affected with RYR1-related disorders in the literature. This variant has been identified in 5/282450 chromosomes in the general population by the Genome Aggregation Database (gnomAD). The available evidence is insufficient to determine the role of this variant in disease conclusively. Therefore, this variant is classified as a Variant of Uncertain Significance.

This study involves interpretation of variants in research participants for the purpose of population health screening. Participant phenotype was not available at the time of variant classification. Additional details can be found in publication PMID: 35346344, PMCID: PMC8962531

Color Diagnostics, LLC DBA Color Health
Classification: Uncertain significance for Malignant hyperthermia, susceptibility to, 1. Last evaluated: 2024-01-29. Review status: criteria provided, single submitter. Criteria: ACMG Guidelines, 2015. Collection method: clinical testing. Allele origin: germline.
Comment: This missense variant replaces threonine with alanine at codon 3494 of the RYR1 protein. Computational prediction suggests that this variant may not impact protein structure and function. To our knowledge, functional studies have not been reported for this variant. This variant has not been reported in individuals affected with RYR1-related disorders in the literature. This variant has been identified in 5/282450 chromosomes in the general population by the Genome Aggregation Database (gnomAD). The available evidence is insufficient to determine the role of this variant in disease conclusively. Therefore, this variant is classified as a Variant of Uncertain Significance.

Labcorp Genetics (formerly Invitae), Labcorp
Classification: Uncertain significance for RYR1-related disorder. Last evaluated: 2022-07-12. Review status: criteria provided, single submitter. Criteria: Invitae Variant Classification Sherloc (09022015). Collection method: clinical testing. Allele origin: germline.
Comment: This sequence change replaces threonine, which is neutral and polar, with alanine, which is neutral and non-polar, at codon 3494 of the RYR1 protein (p.Thr3494Ala). This variant is present in population databases (no rsID available, gnomAD 0.01%). This variant has not been reported in the literature in individuals affected with RYR1-related conditions. ClinVar contains an entry for this variant (Variation ID: 1350585). Advanced modeling of protein sequence and biophysical properties (such as structural, functional, and spatial information, amino acid conservation, physicochemical variation, residue mobility, and thermodynamic stability) performed at Invitae indicates that this missense variant is not expected to disrupt RYR1 protein function. In summary, the available evidence is currently insufficient to determine the role of this variant in disease. Therefore, it has been classified as a Variant of Uncertain Significance.